The following is an entry in ClinVar:

NM_017849.4(TMEM127):c.260C>T (p.Pro87Leu)

Gene: TMEM127 (transmembrane protein 127; minus strand). Cytogenetic location: 2q11.2.
Variant type: single nucleotide variant.
Coding change: c.260C>T on transcript NM_017849.4 (MANE Select); coding-DNA position 260, C replaced by T.
Protein change: p.Pro87Leu; replaces proline 87 with leucine.
Molecular consequence: missense variant.
Genome position (GRCh38, 1-based): chr2:96,254,982, G>A on the plus strand (C>T on the coding strand, the complement: TMEM127 is on the minus strand). VCF-style: chr2-96254982-G-A. GRCh37 (hg19) VCF-style: chr2-96920720-G-A.
Other names: c.260C>T, p.Pro87Leu (NM_001193304.3); c.8C>T, p.Pro3Leu (NM_001407282.1, NM_001407283.1); short protein forms P3L, P87L.
Identifiers: ClinVar variation 2573188 (VCV002573188.1), dbSNP rs1558752611, ClinGen allele CA347653645.

ClinVar aggregate classification (germline): Uncertain significance (1 of 4 stars; one submission).

Conditions:
Pheochromocytoma. Also called: MAX-Related Hereditary Paraganglioma-Pheochromocytoma Syndrome. Identifiers: Orphanet 29072, MedGen C0031511, MONDO:0008233, OMIM 171300, HP:0002666.

Submission:

KCCC/NGS Laboratory, Kuwait Cancer Control Center
Classification: Uncertain significance for Pheochromocytoma. Last evaluated: 2023-07-07. Review status: criteria provided, single submitter. Criteria: ACMG Guidelines, 2015. Collection method: clinical testing. Allele origin: unknown. Affected: yes.
Comment: This sequence change replaces proline with leucine at codon 87 of the TMEM127 protein. The proline residue is moderately conserved and there is a large physicochemical difference between proline and leucine. This variant is not present in population databases (gnomAD). This variant has not been reported in the literature in individuals with TMEM127-related disease. ClinVar does not contain an entry for this variant. In silico predictions show SIFT: "damaging"; and PolyPhen-2: "tolerated". Therefore, it has been classified as a Variant of Uncertain Significance.